The following is an entry in ClinVar:

ClinVar aggregate classification (germline): Pathogenic (1 of 4 stars; one submission).

Conditions:
Joubert syndrome. Also called: CEREBELLOPARENCHYMAL DISORDER IV; JOUBERT-BOLTSHAUSER SYNDROME; Familial aplasia of the vermis. Identifiers: Orphanet 475, MedGen C5979921, MONDO:0018772.
Meckel-Gruber syndrome. Also called: DYSENCEPHALIA SPLANCHNOCYSTICA; GRUBER SYNDROME; Dysencephalia splachnocystica. Identifiers: Orphanet 564, MedGen C0265215, MONDO:0018921.

Submission:

Labcorp Genetics (formerly Invitae), Labcorp
Classification: Pathogenic for Joubert syndrome; Meckel-Gruber syndrome. Last evaluated: 2023-09-06. Review status: criteria provided, single submitter. Criteria: Invitae Variant Classification Sherloc (09022015). Collection method: clinical testing. Allele origin: germline.
Comment: This sequence change affects an acceptor splice site in intron 15 of the TMEM67 gene. It is expected to disrupt RNA splicing. Variants that disrupt the donor or acceptor splice site typically lead to a loss of protein function (PMID: 16199547), and loss-of-function variants in TMEM67 are known to be pathogenic (PMID: 20232449, 23559409). This variant is not present in population databases (gnomAD no frequency). Disruption of this splice site has been observed in individual(s) with Joubert syndrome (PMID: 27434533). Algorithms developed to predict the effect of sequence changes on RNA splicing suggest that this variant may disrupt the consensus splice site. For these reasons, this variant has been classified as Pathogenic.

Literature cited by the submitters: PubMed 16199547; PubMed 20232449; PubMed 23559409; PubMed 27434533.

NM_153704.6(TMEM67):c.1576-1G>A

Gene: TMEM67 (transmembrane protein 67; plus strand). Cytogenetic location: 8q22.1.
Variant type: single nucleotide variant.
Coding change: c.1576-1G>A on transcript NM_153704.6 (MANE Select); the canonical splice acceptor site of the intron before coding-DNA position 1576, G replaced by A.
Molecular consequence: splice acceptor variant.
Genome position (GRCh38, 1-based): chr8:93,793,197, G>A. VCF-style: chr8-93793197-G-A. GRCh37 (hg19) VCF-style: chr8-94805425-G-A.
Other names: c.1333-1G>A (NM_001142301.1).
Identifiers: ClinVar variation 2951663 (VCV002951663.3), dbSNP rs2536888066, ClinGen allele CA371691102.